The following is an entry in ClinVar:

NM_001174150.2(ARL13B):c.680_682del (p.Arg227_Glu228delinsGln)

Gene: ARL13B (ARF like GTPase 13B; plus strand). Cytogenetic location: 3q11.2.
Variant type: Deletion.
Coding change: c.680_682del on transcript NM_001174150.2 (MANE Select); coding-DNA positions 680 to 682, 3 bases deleted (GAG; older notation c.680_682delGAG).
Protein change: p.Arg227_Glu228delinsGln.
Molecular consequence: inframe indel. On other transcripts: non-coding transcript variant (2).
Genome position (GRCh38, 1-based): chr3:94,036,745-94,036,747, GAG deleted. VCF-style (leftmost placement, unchanged base first): chr3-94036744-CGAG-C. GRCh37 (hg19) VCF-style: chr3-93755588-CGAG-C.
Other names: c.371_373del, p.Arg124_Glu125delinsGln (NM_001174151.2); c.635_637del, p.Arg212_Glu213delinsGln (NM_001321328.2); c.359_361del, p.Arg120_Glu121delinsGln (NM_144996.4); c.680_682del, p.Arg227_Glu228delinsGln (NM_182896.3).
Identifiers: ClinVar variation 968151 (VCV000968151.7), dbSNP rs1560004664, ClinGen allele CA545016976.

ClinVar aggregate classification (germline): Uncertain significance (1 of 4 stars; one submission).

Conditions:
Joubert syndrome 8 (JBTS8). Identifiers: Orphanet 475, MedGen C2676771, MONDO:0012855, OMIM 612291.

Allele frequency attached by ClinVar (database versions not stated): gnomAD exomes below 0.00001.

Submission:

Labcorp Genetics (formerly Invitae), Labcorp
Classification: Uncertain significance for Joubert syndrome 8. Last evaluated: 2022-03-10. Review status: criteria provided, single submitter. Criteria: Invitae Variant Classification Sherloc (09022015). Collection method: clinical testing. Allele origin: germline.
Comment: In summary, the available evidence is currently insufficient to determine the role of this variant in disease. Therefore, it has been classified as a Variant of Uncertain Significance. Experimental studies and prediction algorithms are not available or were not evaluated, and the functional significance of this variant is currently unknown. ClinVar contains an entry for this variant (Variation ID: 968151). This variant has not been reported in the literature in individuals affected with ARL13B-related conditions. This variant is present in population databases (no rsID available, gnomAD 0.0009%). This variant, c.680_682del, is a complex sequence change that results in the deletion of 2 and insertion of 1 amino acid(s) in the ARL13B protein (p.Arg227_Glu228delinsGln).